The following is an entry in ClinVar:

NM_001356.5(DDX3X):c.721C>A (p.Gln241Lys)

Gene: DDX3X (DEAD-box helicase 3 X-linked; plus strand). Cytogenetic location: Xp11.4.
Variant type: single nucleotide variant.
Coding change: c.721C>A on transcript NM_001356.5 (MANE Select); coding-DNA position 721, C replaced by A.
Protein change: p.Gln241Lys; replaces glutamine 241 with lysine.
Molecular consequence: missense variant. On other transcripts: non-coding transcript variant (1).
Genome position (GRCh38, 1-based): chrX:41,343,778, C>A. VCF-style: chrX-41343778-C-A. GRCh37 (hg19) VCF-style: chrX-41203031-C-A.
Other names: c.721C>A, p.Gln241Lys (NM_001193416.3); c.673C>A, p.Gln225Lys (NM_001193417.3); c.163C>A, p.Gln55Lys (NM_001363819.1); short protein forms Q225K, Q241K, Q55K.
Identifiers: ClinVar variation 3026971 (VCV003026971.22), dbSNP rs759442213, ClinGen allele CA10389464.

ClinVar aggregate classification (germline): Likely benign (1 of 4 stars; one submission).

Allele frequency attached by ClinVar (database versions not stated): TOPMed 0.00001; gnomAD exomes 0.00002; ExAC 0.00003; gnomAD 0.00004.
gnomAD v4.1: 26 of 1,208,034 alleles (0.0022%); highest among the groups gnomAD compares: Non-Finnish European, 0.00034%; no homozygotes.

Submission:

CeGaT Center for Human Genetics Tuebingen
Classification: Likely benign. Last evaluated: 2024-01-01. Review status: criteria provided, single submitter. Criteria: CeGaT Center For Human Genetics Tuebingen Variant Classification Criteria Version 2. Collection method: clinical testing. Allele origin: germline. Affected: yes. Observed: 1 variant allele.
Comment: DDX3X: PP2, BS2